The following is an entry in ClinVar:

ClinVar aggregate classification (germline): Uncertain significance (1 of 4 stars; one submission).

gnomAD v4.1: 1 of 1,164,545 alleles (0.000086%); highest among the groups gnomAD compares: Non-Finnish European, 0.00011%; no homozygotes.

Submission:

GeneDx
Classification: Uncertain significance. Last evaluated: 2024-09-09. Review status: criteria provided, single submitter. Criteria: GeneDx Variant Classification Process June 2021. Collection method: clinical testing. Allele origin: germline. Affected: yes.
Comment: Not observed at significant frequency in large population cohorts (gnomAD); In silico analysis indicates that this missense variant does not alter protein structure/function; Has not been previously published as pathogenic or benign to our knowledge

NM_002547.3(OPHN1):c.2153A>C (p.Lys718Thr)

Gene: OPHN1 (oligophrenin 1; minus strand). Cytogenetic location: Xq12.
Variant type: single nucleotide variant.
Coding change: c.2153A>C on transcript NM_002547.3 (MANE Select); coding-DNA position 2153, A replaced by C.
Protein change: p.Lys718Thr; replaces lysine 718 with threonine.
Molecular consequence: missense variant.
Genome position (GRCh38, 1-based): chrX:68,063,859, T>G on the plus strand (A>C on the coding strand, the complement: OPHN1 is on the minus strand). VCF-style: chrX-68063859-T-G. GRCh37 (hg19) VCF-style: chrX-67283701-T-G.
Other names: short protein forms K718T.
Identifiers: ClinVar variation 3769845 (VCV003769845.1).